The following is an entry in ClinVar:

NM_004522.3(KIF5C):c.1666A>T (p.Lys556Ter)

Gene: KIF5C (kinesin family member 5C; plus strand). Cytogenetic location: 2q23.1.
Variant type: single nucleotide variant.
Coding change: c.1666A>T on transcript NM_004522.3 (MANE Select); coding-DNA position 1666, A replaced by T.
Protein change: p.Lys556Ter; replaces lysine 556 with a stop codon.
Molecular consequence: nonsense. On other transcripts: non-coding transcript variant (1).
Genome position (GRCh38, 1-based): chr2:148,983,716, A>T. VCF-style: chr2-148983716-A-T. GRCh37 (hg19) VCF-style: chr2-149840230-A-T.
Other names: short protein forms K556*.
Identifiers: ClinVar variation 3385394 (VCV003385394.1).
Genomic context (GRCh38, chr2:148,983,716, plus strand): 5'-CTACAAGAGCTTAGCAACCACCAGAAGAAAAGGGCAACTGAGATCCTGAATTTGCTGTTG[A>T]AAGATCTGGGGGAGATAGGTGGAATTATTGGCACCAATGATGTGAAAACTGTAAGCCAGC-3'

ClinVar aggregate classification (germline): Likely pathogenic (1 of 4 stars; one submission).

Conditions:
Complex cortical dysplasia with other brain malformations 2. Identifiers: MedGen C3809013, MONDO:0014116, OMIM 615282.

Submission:

Institute of Human Genetics, University of Leipzig Medical Center
Classification: Likely pathogenic for Complex cortical dysplasia with other brain malformations 2. Last evaluated: 2024-12-12. Review status: criteria provided, single submitter. Criteria: ACMG Guidelines, 2015. Collection method: clinical testing. Allele origin: unknown. Affected: yes.
Comment: PM2_supporting, PM1_supporting, PP2, PP3